The following is an entry in ClinVar:

ClinVar aggregate classification (germline): Uncertain significance (1 of 4 stars; one submission).

gnomAD v4.1: 3 of 1,601,126 alleles (0.00019%); highest among the groups gnomAD compares: Non-Finnish European, 0.00026%; no homozygotes.

Submission:

GeneDx
Classification: Uncertain significance. Last evaluated: 2025-04-04. Review status: criteria provided, single submitter. Criteria: GeneDx Variant Classification Process June 2021. Collection method: clinical testing. Allele origin: germline. Affected: yes.
Comment: Not observed at significant frequency in large population cohorts (gnomAD); In silico analysis supports that this missense variant has a deleterious effect on protein structure/function; Has not been previously published as pathogenic or benign to our knowledge

NM_152906.7(TANGO2):c.452G>A (p.Gly151Asp)

Gene: TANGO2 (transport and golgi organization 2 homolog; plus strand). Cytogenetic location: 22q11.21.
Variant type: single nucleotide variant.
Coding change: c.452G>A on transcript NM_152906.7 (MANE Select); coding-DNA position 452, G replaced by A.
Protein change: p.Gly151Asp; replaces glycine 151 with aspartic acid.
Molecular consequence: missense variant. On other transcripts: non-coding transcript variant (3), intron variant (4).
Genome position (GRCh38, 1-based): chr22:20,061,530, G>A. VCF-style: chr22-20061530-G-A. GRCh37 (hg19) VCF-style: chr22-20049053-G-A.
Other names: c.158G>A, p.Gly53Asp (NM_001322150.2, NM_001322153.2, NM_001322155.2 and 6 more transcripts); c.350G>A, p.Gly117Asp (NM_001322160.2, NM_001322146.2, NM_001322148.2); c.266G>A, p.Gly89Asp (NM_001322163.2, NM_001322166.2, NM_001322167.2 and 3 more transcripts); c.452G>A, p.Gly151Asp (NM_001283106.3, NM_001283116.3, NM_001283148.3 and 2 more transcripts); c.575G>A, p.Gly192Asp (NM_001283129.3, NM_001322141.2, NM_001322143.2 and 1 more transcripts); c.389G>A, p.Gly130Asp (NM_001322145.2, NM_001322147.2); c.381-1808G>A (NM_001283199.3); c.575-3012G>A (NM_001283215.3); and 2 more; short protein forms G117D, G130D, G151D, G192D, G53D, G89D.
Identifiers: ClinVar variation 4278574 (VCV004278574.1).